The following is an entry in ClinVar:

ClinVar aggregate classification (germline): Uncertain significance (1 of 4 stars; one submission).

Conditions:
Nemaline myopathy 2 (NEM2). Also called: Nemaline myopathy 2, autosomal recessive. Identifiers: MedGen C1850569, MONDO:0009725, OMIM 256030.

Submission:

Labcorp Genetics (formerly Invitae), Labcorp
Classification: Uncertain significance for Nemaline myopathy 2. Last evaluated: 2022-03-12. Review status: criteria provided, single submitter. Criteria: Invitae Variant Classification Sherloc (09022015). Collection method: clinical testing. Allele origin: germline.
Comment: This sequence change replaces tyrosine, which is neutral and polar, with histidine, which is basic and polar, at codon 6136 of the NEB protein (p.Tyr6136His). This variant is not present in population databases (gnomAD no frequency). This variant has not been reported in the literature in individuals affected with NEB-related conditions. Algorithms developed to predict the effect of missense changes on protein structure and function are either unavailable or do not agree on the potential impact of this missense change (SIFT: "Deleterious"; PolyPhen-2: "Not Available"; Align-GVGD: "Class C0"). In summary, the available evidence is currently insufficient to determine the role of this variant in disease. Therefore, it has been classified as a Variant of Uncertain Significance.

NM_001164508.2(NEB):c.18406T>C (p.Tyr6136His)

Gene: NEB (nebulin; minus strand). Cytogenetic location: 2q23.3.
Variant type: single nucleotide variant.
Coding change: c.18406T>C on transcript NM_001164508.2 (MANE Select); coding-DNA position 18406, T replaced by C.
Protein change: p.Tyr6136His; replaces tyrosine 6136 with histidine.
Molecular consequence: missense variant.
Genome position (GRCh38, 1-based): chr2:151,565,109, A>G on the plus strand (T>C on the coding strand, the complement: NEB is on the minus strand). VCF-style: chr2-151565109-A-G. GRCh37 (hg19) VCF-style: chr2-152421623-A-G.
Other names: c.18406T>C, p.Tyr6136His (NM_001164507.2, NM_001271208.2); c.13303T>C, p.Tyr4435His (NM_004543.5); short protein forms Y6136H, Y4435H.
Identifiers: ClinVar variation 1921776 (VCV001921776.5), dbSNP rs2552192240, ClinGen allele CA348800724.